The following is an entry in ClinVar:

NM_022124.6(CDH23):c.6533T>A (p.Ile2178Asn)

Gene: CDH23 (cadherin related 23; plus strand). Cytogenetic location: 10q22.1.
Variant type: single nucleotide variant.
Coding change: c.6533T>A on transcript NM_022124.6 (MANE Select); coding-DNA position 6533, T replaced by A.
Protein change: p.Ile2178Asn; replaces isoleucine 2178 with asparagine.
Molecular consequence: missense variant.
Genome position (GRCh38, 1-based): chr10:71,793,461, T>A. VCF-style: chr10-71793461-T-A. GRCh37 (hg19) VCF-style: chr10-73553218-T-A.
Other names: c.6533T>A (NM_022124.5); short protein forms I2178N.
Identifiers: ClinVar variation 1477521 (VCV001477521.7), dbSNP rs772953914, ClinGen allele CA209466274.

ClinVar aggregate classification (germline): Conflicting classifications of pathogenicity. Review status: criteria provided, conflicting classifications (1 of 4 stars). 3 submissions from 3 submitters: Likely pathogenic (1); Uncertain significance (2). Last evaluated 2025-12-07.

Conditions:
CDH23-related disorder. Also called: CDH23-related condition; CDH23-related disorders.
Autosomal recessive nonsyndromic hearing loss 12. Also called: DEAFNESS, AUTOSOMAL RECESSIVE 12. Identifiers: Orphanet 90636, MedGen C1832394, MONDO:0011067, OMIM 601386.

Allele frequency attached by ClinVar (database versions not stated): gnomAD 0.00001; gnomAD exomes 0.00001 and 0.00002; TOPMed 0.00001.
gnomAD v4.1: 5 of 1,613,762 alleles (0.00031%); highest among the groups gnomAD compares: Admixed American, 0.0067%; no homozygotes.

Submissions (3):

PreventionGenetics, part of Exact Sciences
Classification: Uncertain significance for CDH23-related condition. Last evaluated: 2025-12-07. Review status: criteria provided, single submitter. Criteria: ACMG Guidelines, 2015. Collection method: clinical testing. Allele origin: germline.
Comment: The CDH23 c.6533T>A variant is predicted to result in the amino acid substitution p.Ile2178Asn. This variant was previously reported in a large cohort of individuals with hearing loss (supplementary data, Carlson et al. 2023. PubMed ID: 36633841). This variant is reported in 0.0087% of alleles in individuals of Latino descent in gnomAD. At this time, the clinical significance of this variant is uncertain due to the absence of conclusive functional and genetic evidence.

King Laboratory, University of Washington
Classification: Likely pathogenic for Autosomal recessive nonsyndromic hearing loss 12. Last evaluated: 2023-02-28. Review status: criteria provided, single submitter. Criteria: Li et al. (Genet Med. 2022). Collection method: research. Allele origin: unknown. Affected: yes.
Comment: This variant occurred in compound heterozygosity with a CDH23 missense variant in two siblings with bilateral sensorineural hearing loss of onset <18 years, in a study of pediatric hearing loss conducted by the King Laboratory (Carlson RJ et al. JAMA-OtoHNS 2023). This variant is a missense at a highly conserved site in a cadherin domain of the CDH23 protein and is predicted to be damaging by multiple in-silico tools. As of January 2023, this variant has been reported previously in an individual with hearing loss and is currently classified as a variant of unknown significance on ClinVar, and it is found in 4 heterozygous individuals on gnomAD. Based on co-segregation with the phenotype in the family, consistently predicted functional effect, and goodness of fit of genotype to phenotype, we conclude that this variant is likely pathogenic.

Labcorp Genetics (formerly Invitae), Labcorp
Classification: Uncertain significance. Last evaluated: 2022-10-05. Review status: criteria provided, single submitter. Criteria: Invitae Variant Classification Sherloc (09022015). Collection method: clinical testing. Allele origin: germline.
Comment: This sequence change replaces isoleucine, which is neutral and non-polar, with asparagine, which is neutral and polar, at codon 2178 of the CDH23 protein (p.Ile2178Asn). This variant is present in population databases (rs772953914, gnomAD 0.009%). This variant has not been reported in the literature in individuals affected with CDH23-related conditions. ClinVar contains an entry for this variant (Variation ID: 1477521). Advanced modeling of protein sequence and biophysical properties (such as structural, functional, and spatial information, amino acid conservation, physicochemical variation, residue mobility, and thermodynamic stability) performed at Invitae indicates that this missense variant is not expected to disrupt CDH23 protein function. In summary, the available evidence is currently insufficient to determine the role of this variant in disease. Therefore, it has been classified as a Variant of Uncertain Significance.

Literature cited by the submitters: PubMed 36633841 (cited by King Laboratory, University of Washington).